The following is an entry in ClinVar:

ClinVar aggregate classification (germline): Uncertain significance (1 of 4 stars; one submission).

Allele frequency attached by ClinVar (database versions not stated): TOPMed 0.00001; gnomAD exomes 0.00002 and 0.00005; ExAC 0.00005.
gnomAD v4.1: 40 of 1,614,066 alleles (0.0025%); highest among the groups gnomAD compares: South Asian, 0.013%; no homozygotes.

Submission:

Labcorp Genetics (formerly Invitae), Labcorp
Classification: Uncertain significance. Last evaluated: 2022-06-20. Review status: criteria provided, single submitter. Criteria: Invitae Variant Classification Sherloc (09022015). Collection method: clinical testing. Allele origin: germline.
Comment: Algorithms developed to predict the effect of missense changes on protein structure and function are either unavailable or do not agree on the potential impact of this missense change (SIFT: "Not Available"; PolyPhen-2: "Probably Damaging"; Align-GVGD: "Not Available"). ClinVar contains an entry for this variant (Variation ID: 1039110). This variant has not been reported in the literature in individuals affected with CEP250-related conditions. This variant is present in population databases (rs748499812, gnomAD 0.02%). This sequence change replaces arginine, which is basic and polar, with glutamine, which is neutral and polar, at codon 719 of the CEP250 protein (p.Arg719Gln). In summary, the available evidence is currently insufficient to determine the role of this variant in disease. Therefore, it has been classified as a Variant of Uncertain Significance.

NM_007186.6(CEP250):c.2156G>A (p.Arg719Gln)

Genes: CEP250 (centrosomal protein 250; plus strand), CEP250-AS1 (CEP250 antisense RNA 1; minus strand). Cytogenetic location: 20q11.22.
Variant type: single nucleotide variant.
Coding change: c.2156G>A on transcript NM_007186.6 (MANE Select); coding-DNA position 2156, G replaced by A.
Protein change: p.Arg719Gln; replaces arginine 719 with glutamine.
Molecular consequence: missense variant.
Genome position (GRCh38, 1-based): chr20:35,479,292, G>A. VCF-style: chr20-35479292-G-A. GRCh37 (hg19) VCF-style: chr20-34067117-G-A.
Other names: c.260G>A, p.Arg87Gln (NM_001318219.1); short protein forms R719Q, R87Q.
Identifiers: ClinVar variation 1039110 (VCV001039110.8), dbSNP rs748499812, ClinGen allele CA9833111.
Genomic context (GRCh38, chr20:35,479,292, plus strand): 5'-CACGTCACCAGCAGGAGGCAGCCACGACTCAGCTGGAGCAGCTACATCAGGAGGCAAAGC[G>A]ACAGGAAGAAGTGCTTGCCAGGGCAGTCCAGGAGAAGGAGGCCCTAGTACGAGAGAAAGC-3'
Protein context (NP_009117.2, residues 709-729): QLEQLHQEAK[Arg719Gln]QEEVLARAVQ